The following is an entry in ClinVar:

NM_000760.4(CSF3R):c.160C>T (p.His54Tyr)

Gene: CSF3R (colony stimulating factor 3 receptor; minus strand). Cytogenetic location: 1p34.3.
Variant type: single nucleotide variant.
Coding change: c.160C>T on transcript NM_000760.4 (MANE Select); coding-DNA position 160, C replaced by T.
Protein change: p.His54Tyr; replaces histidine 54 with tyrosine.
Molecular consequence: missense variant.
Genome position (GRCh38, 1-based): chr1:36,475,578, G>A on the plus strand (C>T on the coding strand, the complement: CSF3R is on the minus strand). VCF-style: chr1-36475578-G-A. GRCh37 (hg19) VCF-style: chr1-36941179-G-A.
Other names: c.160C>T, p.His54Tyr (LRG_144t1, NM_156039.3, NM_172313.3); short protein forms H54Y.
Identifiers: ClinVar variation 565590 (VCV000565590.14), dbSNP rs371768579, ClinGen allele CA769552.

ClinVar aggregate classification (germline): Conflicting classifications of pathogenicity. Review status: criteria provided, conflicting classifications (1 of 4 stars). 4 submissions from 4 submitters: Uncertain significance (3); Likely benign (1). Last evaluated 2025-09-30.

Conditions:
Autosomal recessive severe congenital neutropenia due to CSF3R deficiency. Also called: Neutropenia, severe congenital, 7, autosomal recessive. Identifiers: Orphanet 420702, MedGen C4310764, MONDO:0014865, OMIM 617014.
Inborn genetic diseases. Identifiers: MedGen C0950123, MeSH D030342.

Allele frequency attached by ClinVar (database versions not stated): gnomAD 0.00001 and 0.00002; TOPMed 0.00002.

Submissions (4):

Labcorp Genetics (formerly Invitae), Labcorp
Classification: Uncertain significance for Autosomal recessive severe congenital neutropenia due to CSF3R deficiency. Last evaluated: 2025-09-30. Review status: criteria provided, single submitter. Criteria: Invitae Variant Classification Sherloc (09022015). Collection method: clinical testing. Allele origin: germline.
Comment: This sequence change replaces histidine, which is basic and polar, with tyrosine, which is neutral and polar, at codon 54 of the CSF3R protein (p.His54Tyr). This variant is present in population databases (rs371768579, gnomAD 0.007%). This variant has not been reported in the literature in individuals affected with CSF3R-related conditions. ClinVar contains an entry for this variant (Variation ID: 565590). Invitae Evidence Modeling of protein sequence and biophysical properties (such as structural, functional, and spatial information, amino acid conservation, physicochemical variation, residue mobility, and thermodynamic stability) indicates that this missense variant is not expected to disrupt CSF3R protein function with a negative predictive value of 80%. In summary, the available evidence is currently insufficient to determine the role of this variant in disease. Therefore, it has been classified as a Variant of Uncertain Significance.

Blueprint Genetics
Classification: Likely benign. Last evaluated: 2024-09-02. Review status: criteria provided, single submitter. Criteria: ACMG Guidelines, 2015. Collection method: clinical testing. Allele origin: germline.

Ambry Genetics
Classification: Uncertain significance for Inborn genetic diseases. Last evaluated: 2021-09-16. Review status: criteria provided, single submitter. Criteria: Ambry Variant Classification Scheme 2023. Collection method: clinical testing. Allele origin: germline.

Breakthrough Genomics
Classification: Uncertain significance. Review status: criteria provided, single submitter. Criteria: ACMG Guidelines, 2015. Collection method: not provided. Allele origin: germline. Inheritance: Autosomal recessive inheritance. Affected: yes.